The following is an entry in ClinVar:

ClinVar aggregate classification (germline): Uncertain significance (1 of 4 stars; one submission).

Allele frequency attached by ClinVar (database versions not stated): gnomAD 0.00001.
gnomAD v4.1: 36 of 1,614,080 alleles (0.0022%); highest among the groups gnomAD compares: African/African-American, 0.004%; no homozygotes.

Submissions (2):

Labcorp Genetics (formerly Invitae), Labcorp
Classification: Uncertain significance. Last evaluated: 2024-11-05. Review status: criteria provided, single submitter. Criteria: Invitae Variant Classification Sherloc (09022015). Collection method: clinical testing. Allele origin: germline.
Comment: This sequence change replaces arginine, which is basic and polar, with cysteine, which is neutral and slightly polar, at codon 638 of the EIF2B5 protein (p.Arg638Cys). This variant is present in population databases (rs541227484, gnomAD 0.007%). This variant has not been reported in the literature in individuals affected with EIF2B5-related conditions. ClinVar contains an entry for this variant (Variation ID: 1439593). Invitae Evidence Modeling of protein sequence and biophysical properties (such as structural, functional, and spatial information, amino acid conservation, physicochemical variation, residue mobility, and thermodynamic stability) indicates that this missense variant is expected to disrupt EIF2B5 protein function with a positive predictive value of 80%. In summary, the available evidence is currently insufficient to determine the role of this variant in disease. Therefore, it has been classified as a Variant of Uncertain Significance.

Dr. Peter K. Rogan Lab, Western University
No classification provided (evidence only). Condition: Cervical cancer. Review status: no classification provided. Collection method: in vitro. Allele origin: not applicable. Functional consequence: retained intron. Not counted in ClinVar's aggregate classification.

NM_003907.3(EIF2B5):c.1912C>T (p.Arg638Cys)

Gene: EIF2B5 (eukaryotic translation initiation factor 2B subunit epsilon; plus strand). Cytogenetic location: 3q27.1.
Variant type: single nucleotide variant.
Coding change: c.1912C>T on transcript NM_003907.3 (MANE Select); coding-DNA position 1912, C replaced by T.
Protein change: p.Arg638Cys; replaces arginine 638 with cysteine.
Molecular consequence: missense variant.
Genome position (GRCh38, 1-based): chr3:184,144,141, C>T. VCF-style: chr3-184144141-C-T. GRCh37 (hg19) VCF-style: chr3-183861929-C-T.
Other names: short protein forms R638C.
Identifiers: ClinVar variation 1439593 (VCV001439593.7), dbSNP rs541227484, ClinGen allele CA2726842.